The following is an entry in ClinVar:

NM_024426.6(WT1):c.98C>T (p.Pro33Leu)

Genes: WT1 (WT1 transcription factor; minus strand), LOC107982234 (WT1/WT1-AS bi-directional promoter region; plus strand). Cytogenetic location: 11p13.
Variant type: single nucleotide variant.
Coding change: c.98C>T on transcript NM_024426.6 (MANE Select); coding-DNA position 98, C replaced by T.
Protein change: p.Pro33Leu; replaces proline 33 with leucine.
Molecular consequence: missense variant. On other transcripts: 5 prime UTR variant (4), non-coding transcript variant (2).
Genome position (GRCh38, 1-based): chr11:32,435,263, G>A on the plus strand (C>T on the coding strand, the complement: WT1 is on the minus strand). VCF-style: chr11-32435263-G-A. GRCh37 (hg19) VCF-style: chr11-32456809-G-A.
Other names: c.98C>T, p.Pro33Leu (NM_000378.6, NM_001407044.1, NM_001407045.1 and 6 more transcripts); c.-122C>T (NM_001429031.1, NM_001429032.1, NM_001429033.1 and 1 more transcripts); short protein forms P33L, P28L.
Identifiers: ClinVar variation 3817449 (VCV003817449.1).
Genomic context (GRCh38, chr11:32,435,263, plus strand): 5'-GCCTCGGCGGCGCCTAACTTGGCCCAGATGCCGCCCGGGTCCCGGACTCCCTGCTGCTCT[G>A]GCTGCTGTAGGCACCCAGGCCCGGAGCGGAGCGTGTGCTGAGACGCCGGCTCCGGGACAC-3'
Protein context (NP_077744.4, residues 23-43): LRSGPGCLQQ[Pro33Leu]EQQGVRDPGG

ClinVar aggregate classification (germline): Uncertain significance (1 of 4 stars; one submission).

Conditions:
Inborn genetic diseases. Identifiers: MedGen C0950123, MeSH D030342.

Submission:

Ambry Genetics
Classification: Uncertain significance for Inborn genetic diseases. Last evaluated: 2024-12-16. Review status: criteria provided, single submitter. Criteria: Ambry Variant Classification Scheme 2023. Collection method: clinical testing. Allele origin: germline.
Comment: The p.P28L variant (also known as c.83C>T), located in coding exon 1 of the WT1 gene, results from a C to T substitution at nucleotide position 83. The proline at codon 28 is replaced by leucine, an amino acid with similar properties. This amino acid position is conserved. In addition, this alteration is predicted to be tolerated by in silico analysis. Based on the available evidence, the clinical significance of this variant remains unclear.